The following is an entry in ClinVar:

ClinVar aggregate classification (germline): Pathogenic (1 of 4 stars; one submission).

Conditions:
Hereditary cancer-predisposing syndrome. Also called: Neoplastic Syndromes, Hereditary; Tumor predisposition; Hereditary Cancer Syndrome; Hereditary neoplastic syndrome. Identifiers: Orphanet 140162, MedGen C0027672, MeSH D009386, MONDO:0015356.

Submission:

Ambry Genetics
Classification: Pathogenic for Hereditary cancer-predisposing syndrome. Last evaluated: 2026-01-29. Review status: criteria provided, single submitter. Criteria: Ambry Variant Classification Scheme 2023. Collection method: clinical testing. Allele origin: germline.
Comment: The p.W622* pathogenic mutation (also known as c.1865G>A), located in coding exon 14 of the SDHA gene, results from a G to A substitution at nucleotide position 1865. This changes the amino acid from a tryptophan to a stop codon within coding exon 14. This variant was reported in individual(s) with features consistent with SDHA-related hereditary pheochromocytoma-paraganglioma (Ma X et al. Front Endocrinol (Lausanne), 2020 Dec;11:574662; Mandelker D et al. NPJ Precis Oncol, 2023 Jan;7:1). This variant is considered to be rare based on population cohorts in the Genome Aggregation Database (gnomAD). This alteration is expected to result in loss of function by premature protein truncation or nonsense-mediated mRNA decay. As such, this alteration is interpreted as a disease-causing mutation.

Literature cited by the submitters: PubMed 23633203; PubMed 33362715; PubMed 36593350.

NM_004168.4(SDHA):c.1865G>A (p.Trp622Ter)

Gene: SDHA (succinate dehydrogenase complex flavoprotein subunit A; plus strand). Cytogenetic location: 5p15.33.
Variant type: single nucleotide variant.
Coding change: c.1865G>A on transcript NM_004168.4 (MANE Select); coding-DNA position 1865, G replaced by A.
Protein change: p.Trp622Ter; replaces tryptophan 622 with a stop codon.
Molecular consequence: nonsense.
Genome position (GRCh38, 1-based): chr5:254,463, G>A. VCF-style: chr5-254463-G-A. GRCh37 (hg19) VCF-style: chr5-254578-G-A.
Other names: c.1721G>A, p.Trp574Ter (NM_001294332.2); c.1622G>A, p.Trp541Ter (NM_001330758.2); short protein forms W574*, W541*, W622*.
Identifiers: ClinVar variation 4839679 (VCV004839679.1).